The following is an entry in ClinVar:

ClinVar aggregate classification (germline): Pathogenic (1 of 4 stars; one submission).

Conditions:
Inborn genetic diseases. Identifiers: MedGen C0950123, MeSH D030342.

Submission:

Ambry Genetics
Classification: Pathogenic for Inborn genetic diseases. Last evaluated: 2019-04-05. Review status: criteria provided, single submitter. Criteria: Ambry Variant Classification Scheme 2023. Collection method: clinical testing. Allele origin: germline.
Comment: The c.2872dupG pathogenic mutation, located in coding exon 15 of the SCN1A gene, results from a duplication of G at nucleotide position 2872, causing a translational frameshift with a predicted alternate stop codon (p.D958Gfs*39). This alteration is expected to result in loss of function by premature protein truncation or nonsense-mediated mRNA decay. As such, this alteration is interpreted as a disease-causing mutation.

NM_001165963.4(SCN1A):c.2872dup (p.Asp958fs)

Gene: SCN1A (sodium voltage-gated channel alpha subunit 1; minus strand). Cytogenetic location: 2q24.3.
Variant type: Duplication.
Coding change: c.2872dup on transcript NM_001165963.4 (MANE Select); coding-DNA position 2872, one base duplicated (G; older notation c.2872dupG).
Protein change: p.Asp958fs; shifts the reading frame from aspartic acid 958.
Molecular consequence: frameshift variant. On other transcripts: non-coding transcript variant (1).
Genome position (GRCh38, 1-based): chr2:166,037,850, C duplicated on the plus strand (G on the coding strand, the reverse complement: SCN1A is on the minus strand); the first of 3 consecutive C bases (chr2:166,037,850-166,037,852); duplicating any one gives the same sequence. VCF-style (leftmost placement, unchanged base first): chr2-166037849-T-TC. GRCh37 (hg19) VCF-style: chr2-166894359-T-TC.
Other names: c.2788dup, p.Asp930fs (NM_001165964.3, NM_001353957.2, NM_001353958.2); c.2872dup, p.Asp958fs (NM_001202435.3, NM_001353948.2); c.2839dup, p.Asp947fs (NM_001353949.2, NM_001353950.2, NM_001353951.2 and 2 more transcripts); c.2836dup, p.Asp946fs (NM_001353954.2, NM_001353955.2); c.2785dup, p.Asp929fs (NM_001353960.2); c.430dup, p.Asp144fs (NM_001353961.2); short protein forms D930fs, D946fs, D947fs, D958fs, D144fs, D929fs.
Identifiers: ClinVar variation 1797066 (VCV001797066.2), dbSNP rs2468095650, ClinGen allele CA2580064524.